The following is an entry in ClinVar:

NM_032776.3(JMJD1C):c.3593G>A (p.Arg1198His)

Gene: JMJD1C (jumonji domain containing 1C; minus strand). Cytogenetic location: 10q21.3.
Variant type: single nucleotide variant.
Coding change: c.3593G>A on transcript NM_032776.3 (MANE Select); coding-DNA position 3593, G replaced by A.
Protein change: p.Arg1198His; replaces arginine 1198 with histidine.
Molecular consequence: missense variant. On other transcripts: non-coding transcript variant (1).
Genome position (GRCh38, 1-based): chr10:63,208,076, C>T on the plus strand (G>A on the coding strand, the complement: JMJD1C is on the minus strand). VCF-style: chr10-63208076-C-T. GRCh37 (hg19) VCF-style: chr10-64967836-C-T.
Other names: c.3047G>A, p.Arg1016His (NM_001282948.2, NM_001318154.2); c.2729G>A, p.Arg910His (NM_001318153.2); c.3479G>A, p.Arg1160His (NM_001322252.2); c.2936G>A, p.Arg979His (NM_001322254.2, NM_001322258.2); short protein forms R1198H, R1160H, R1016H, R910H, R979H.
Identifiers: ClinVar variation 529704 (VCV000529704.8), dbSNP rs766251480, ClinGen allele CA5518401.

ClinVar aggregate classification (germline): Uncertain significance (1 of 4 stars; one submission).

Conditions:
Early Myoclonic Encephalopathy. Identifiers: MedGen C0270855.

Allele frequency attached by ClinVar (database versions not stated): ExAC 0.00003; gnomAD 0.00003; gnomAD exomes 0.00003 and 0.00004; TOPMed 0.00003.
gnomAD v4.1: 64 of 1,613,920 alleles (0.004%); highest among the groups gnomAD compares: Admixed American, 0.0083%; no homozygotes.

Submission:

Labcorp Genetics (formerly Invitae), Labcorp
Classification: Uncertain significance for Early Myoclonic Encephalopathy. Last evaluated: 2022-07-11. Review status: criteria provided, single submitter. Criteria: Invitae Variant Classification Sherloc (09022015). Collection method: clinical testing. Allele origin: germline.
Comment: In summary, the available evidence is currently insufficient to determine the role of this variant in disease. Therefore, it has been classified as a Variant of Uncertain Significance. Algorithms developed to predict the effect of missense changes on protein structure and function are either unavailable or do not agree on the potential impact of this missense change (SIFT: "Deleterious"; PolyPhen-2: "Probably Damaging"; Align-GVGD: "Class C0"). ClinVar contains an entry for this variant (Variation ID: 529704). This variant has not been reported in the literature in individuals affected with JMJD1C-related conditions. This variant is present in population databases (rs766251480, gnomAD 0.006%). This sequence change replaces arginine, which is basic and polar, with histidine, which is basic and polar, at codon 1198 of the JMJD1C protein (p.Arg1198His).